The following is an entry in ClinVar:

ClinVar aggregate classification (germline): Uncertain significance. Review status: criteria provided, multiple submitters, no conflicts (2 of 4 stars). 2 submissions from 2 submitters: Uncertain significance (2). Last evaluated 2025-02-08.

Conditions:
Inborn genetic diseases. Identifiers: MedGen C0950123, MeSH D030342.

Allele frequency attached by ClinVar (database versions not stated): ExAC 0.00001; gnomAD 0.00001; gnomAD exomes 0.00001; TOPMed 0.00001.
gnomAD v4.1: 16 of 1,613,488 alleles (0.00099%); highest among the groups gnomAD compares: African/African-American, 0.0013%; no homozygotes.

Submissions (2):

Ambry Genetics
Classification: Uncertain significance for Inborn genetic diseases. Last evaluated: 2025-02-08. Review status: criteria provided, single submitter. Criteria: Ambry Variant Classification Scheme 2023. Collection method: clinical testing. Allele origin: germline.

Labcorp Genetics (formerly Invitae), Labcorp
Classification: Uncertain significance. Last evaluated: 2024-11-25. Review status: criteria provided, single submitter. Criteria: Invitae Variant Classification Sherloc (09022015). Collection method: clinical testing. Allele origin: germline.
Comment: This sequence change replaces phenylalanine, which is neutral and non-polar, with leucine, which is neutral and non-polar, at codon 242 of the C1QA protein (p.Phe242Leu). This variant is present in population databases (rs763842392, gnomAD 0.004%). This variant has not been reported in the literature in individuals affected with C1QA-related conditions. ClinVar contains an entry for this variant (Variation ID: 1509560). An algorithm developed to predict the effect of missense changes on protein structure and function (PolyPhen-2) suggests that this variant is likely to be disruptive. In summary, the available evidence is currently insufficient to determine the role of this variant in disease. Therefore, it has been classified as a Variant of Uncertain Significance.

NM_015991.4(C1QA):c.724T>C (p.Phe242Leu)

Gene: C1QA (complement C1q A chain; plus strand). Cytogenetic location: 1p36.12.
Variant type: single nucleotide variant.
Coding change: c.724T>C on transcript NM_015991.4 (MANE Select); coding-DNA position 724, T replaced by C.
Protein change: p.Phe242Leu; replaces phenylalanine 242 with leucine.
Molecular consequence: missense variant.
Genome position (GRCh38, 1-based): chr1:22,639,393, T>C. VCF-style: chr1-22639393-T-C. GRCh37 (hg19) VCF-style: chr1-22965886-T-C.
Other names: c.724T>C, p.Phe242Leu (NM_001347465.2, NM_001347466.2); c.724T>C (NM_015991.2); short protein forms F242L.
Identifiers: ClinVar variation 1509560 (VCV001509560.7), dbSNP rs763842392, ClinGen allele CA677826.